The following is an entry in ClinVar:

NM_007294.4(BRCA1):c.3461T>A (p.Leu1154Ter)

Genes: BRCA1 (BRCA1 DNA repair associated; minus strand), LOC126862571 (BRD4-independent group 4 enhancer GRCh37_chr17:41243136-41244335; plus strand). Cytogenetic location: 17q21.31.
Variant type: single nucleotide variant.
Coding change: c.3461T>A on transcript NM_007294.4 (MANE Select); coding-DNA position 3461, T replaced by A.
Protein change: p.Leu1154Ter; replaces leucine 1154 with a stop codon.
Molecular consequence: nonsense. On other transcripts: intron variant (135).
Genome position (GRCh38, 1-based): chr17:43,092,070, A>T on the plus strand (T>A on the coding strand, the complement: BRCA1 is on the minus strand). VCF-style: chr17-43092070-A-T. GRCh37 (hg19) VCF-style: chr17-41244087-A-T.
Other names: c.3251T>A, p.Leu1084Ter (NM_001407907.1, NM_001407908.1, NM_001407909.1 and 13 more transcripts); c.3248T>A, p.Leu1083Ter (NM_001407915.1, NM_001407916.1, NM_001407917.1 and 9 more transcripts); c.3338T>A, p.Leu1113Ter (NM_001407919.1, NM_001407937.1, NM_001407938.1 and 19 more transcripts); c.3197T>A, p.Leu1066Ter (NM_001407920.1, NM_001407921.1, NM_001407922.1 and 9 more transcripts); c.3194T>A, p.Leu1065Ter (NM_001407930.1, NM_001407931.1, NM_001407932.1 and 2 more transcripts); c.3335T>A, p.Leu1112Ter (NM_001407940.1, NM_001407941.1, NM_001407649.1 and 11 more transcripts); c.3320T>A, p.Leu1107Ter (NM_001407942.1, NM_001407944.1, NM_001407945.1 and 29 more transcripts); c.3317T>A, p.Leu1106Ter (NM_001407943.1, NM_001407964.1, NM_001407740.1 and 20 more transcripts); and 41 more; short protein forms L1026*, L1027*, L1065*, L1066*, L1107*, L1128*, L1153*, L1154*.
Identifiers: ClinVar variation 4720000 (VCV004720000.1).

ClinVar aggregate classification (germline): Pathogenic (1 of 4 stars; one submission).

Conditions:
Hereditary breast ovarian cancer syndrome. Also called: Hereditary breast and ovarian cancer syndrome; Hereditary breast and ovarian cancer syndrome (HBOC); Breast and ovarian cancer; BRCA1- and BRCA2-Associated Hereditary Breast and Ovarian Cancer; Hereditary breast and/or ovarian cancer syndrome; Hereditary breast and ovarian cancer. Identifiers: Orphanet 145, MedGen C0677776, MeSH D061325, MONDO:0003582. Disease mechanism: loss of function.

Submission:

Labcorp Genetics (formerly Invitae), Labcorp
Classification: Pathogenic for Hereditary breast ovarian cancer syndrome. Last evaluated: 2025-05-22. Review status: criteria provided, single submitter. Criteria: Invitae Variant Classification Sherloc (09022015). Collection method: clinical testing. Allele origin: germline.
Comment: This sequence change creates a premature translational stop signal (p.Leu1154*) in the BRCA1 gene. It is expected to result in an absent or disrupted protein product. Loss-of-function variants in BRCA1 are known to be pathogenic (PMID: 20104584). This variant is not present in population databases (gnomAD no frequency). This variant has not been reported in the literature in individuals affected with BRCA1-related conditions. For these reasons, this variant has been classified as Pathogenic.

Literature cited by the submitters: PubMed 20104584.